The following is an entry in ClinVar:

ClinVar aggregate classification (germline): Uncertain significance (1 of 4 stars; one submission).

Submission:

Women's Health and Genetics/Laboratory Corporation of America, LabCorp
Classification: Uncertain significance. Last evaluated: 2025-12-04. Review status: criteria provided, single submitter. Criteria: LabCorp Variant Classification Summary - May 2015. Collection method: clinical testing. Allele origin: germline.
Comment: Variant summary: MMACHC c.146C>G (p.Ala49Gly) results in a non-conservative amino acid change in the encoded protein sequence. Algorithms developed to predict the effect of missense changes on protein structure and function all suggest that this variant is likely to be disruptive. The variant was absent in 249496 control chromosomes. The available data on variant occurrences in the general population are insufficient to allow any conclusion about variant significance. To our knowledge, no occurrence of c.146C>G in individuals affected with MMACHC-related conditions and no experimental evidence demonstrating its impact on protein function have been reported. No submitters have cited clinical-significance assessments for this variant to ClinVar. Based on the evidence outlined above, the variant was classified as uncertain significance.

NM_015506.3(MMACHC):c.146C>G (p.Ala49Gly)

Gene: MMACHC (metabolism of cobalamin associated C; plus strand). Cytogenetic location: 1p34.1.
Variant type: single nucleotide variant.
Coding change: c.146C>G on transcript NM_015506.3 (MANE Select); coding-DNA position 146, C replaced by G.
Protein change: p.Ala49Gly; replaces alanine 49 with glycine.
Molecular consequence: missense variant. On other transcripts: 5 prime UTR variant (1).
Genome position (GRCh38, 1-based): chr1:45,507,420, C>G. VCF-style: chr1-45507420-C-G. GRCh37 (hg19) VCF-style: chr1-45973092-C-G.
Other names: c.-26C>G (NM_001330540.2); short protein forms A49G.
Identifiers: ClinVar variation 4688576 (VCV004688576.1).